The following is an entry in ClinVar:

NM_001271.4(CHD2):c.1147G>A (p.Val383Ile)

Gene: CHD2 (chromodomain helicase DNA binding protein 2; plus strand). Cytogenetic location: 15q26.1.
Variant type: single nucleotide variant.
Coding change: c.1147G>A on transcript NM_001271.4 (MANE Select); coding-DNA position 1147, G replaced by A.
Protein change: p.Val383Ile; replaces valine 383 with isoleucine.
Molecular consequence: missense variant.
Genome position (GRCh38, 1-based): chr15:92,944,509, G>A. VCF-style: chr15-92944509-G-A. GRCh37 (hg19) VCF-style: chr15-93487739-G-A.
Other names: c.1147G>A, p.Val383Ile (NM_001042572.3); short protein forms V383I.
Identifiers: ClinVar variation 3690337 (VCV003690337.2).
Genomic context (GRCh38, chr15:92,944,509, plus strand): 5'-TTCAATTGCCAACAGGAGCTGGCTTCAGAGTTGAATAAACAGTATCAGATAGTAGAAAGA[G>A]TAATAGGTAAGTACATGGTAACTCACTTCAGCCATATTTGAACTTGAGGAATAGTGGCTT-3'
Protein context (NP_001262.3, residues 373-393): LNKQYQIVER[Val383Ile]IAVKTSKSTL

ClinVar aggregate classification (germline): Uncertain significance (1 of 4 stars; one submission).

Conditions:
Developmental and epileptic encephalopathy 94 (DEE94). Also called: CHD2-Related Neurodevelopmental Disorders; Epileptic encephalopathy, childhood-onset. Identifiers: Orphanet 1942, Orphanet 2382, MedGen C3809278, MONDO:0014150, OMIM 615369.

Submission:

Labcorp Genetics (formerly Invitae), Labcorp
Classification: Uncertain significance for Developmental and epileptic encephalopathy 94. Last evaluated: 2024-10-24. Review status: criteria provided, single submitter. Criteria: Invitae Variant Classification Sherloc (09022015). Collection method: clinical testing. Allele origin: germline.
Comment: This sequence change replaces valine, which is neutral and non-polar, with isoleucine, which is neutral and non-polar, at codon 383 of the CHD2 protein (p.Val383Ile). This variant is not present in population databases (gnomAD no frequency). This variant has not been reported in the literature in individuals affected with CHD2-related conditions. Invitae Evidence Modeling of protein sequence and biophysical properties (such as structural, functional, and spatial information, amino acid conservation, physicochemical variation, residue mobility, and thermodynamic stability) indicates that this missense variant is not expected to disrupt CHD2 protein function with a negative predictive value of 95%. In summary, the available evidence is currently insufficient to determine the role of this variant in disease. Therefore, it has been classified as a Variant of Uncertain Significance.